The following is an entry in ClinVar:

ClinVar aggregate classification (germline): Benign (1 of 4 stars; one submission).

Conditions:
PPIP5K2-related disorder. Also called: PPIP5K2-related condition.

Submission:

PreventionGenetics, part of Exact Sciences
Classification: Benign for PPIP5K2-related condition. Last evaluated: 2020-02-14. Review status: criteria provided, single submitter. Criteria: ACMG Guidelines, 2015. Collection method: clinical testing. Allele origin: germline.
Comment: This variant is classified as benign based on ACMG/AMP sequence variant interpretation guidelines (Richards et al. 2015 PMID: 25741868, with internal and published modifications).

NM_001276277.3(PPIP5K2):c.3644T>A (p.Val1215Asp)

Gene: PPIP5K2 (diphosphoinositol pentakisphosphate kinase 2; plus strand). Cytogenetic location: 5q21.1.
Variant type: single nucleotide variant.
Coding change: c.3644T>A on transcript NM_001276277.3 (MANE Select); coding-DNA position 3644, T replaced by A.
Protein change: p.Val1215Asp; replaces valine 1215 with aspartic acid.
Molecular consequence: missense variant.
Genome position (GRCh38, 1-based): chr5:103,201,546, T>A. VCF-style: chr5-103201546-T-A. GRCh37 (hg19) VCF-style: chr5-102537247-T-A.
Other names: c.3749T>A, p.Val1250Asp (NM_001281471.3); c.3470T>A, p.Val1157Asp (NM_001345871.2); c.3515T>A, p.Val1172Asp (NM_001345872.2); c.3641T>A, p.Val1214Asp (NM_001345873.2); c.3407T>A, p.Val1136Asp (NM_001345874.2); c.3287T>A, p.Val1096Asp (NM_001345875.2); c.3461T>A, p.Val1154Asp (NM_001345876.2); c.3284T>A, p.Val1095Asp (NM_001345877.2); and 2 more; short protein forms V1095D, V1096D, V1136D, V1153D, V1154D, V1157D, V1172D, V1194D.
Identifiers: ClinVar variation 3044314 (VCV003044314.1), dbSNP rs2537023358, ClinGen allele CA360596045.
Genomic context (GRCh38, chr5:103,201,546, plus strand): 5'-GCAATAGTTTTTTTTTTTTGTTTTTGTTTTATGTAGCTACAAGTGGACCTTCTAGTGCAG[T>A]TGTTCCTAATACCTCATCTCGGAAAAAGAATATAACTAGCAAAACAGAAACGCATGAACA-3'
Protein context (NP_001263206.1, residues 1205-1225): KPATSGPSSA[Val1215Asp]VPNTSSRKKN